The following is an entry in ClinVar:

ClinVar aggregate classification (germline): Uncertain significance. Review status: criteria provided, multiple submitters, no conflicts (2 of 4 stars). 2 submissions from 2 submitters: Uncertain significance (2). Last evaluated 2025-08-14.

Conditions:
Juvenile polyposis/hereditary hemorrhagic telangiectasia syndrome (JPHT). Also called: Juvenile Polyposis Syndrome / Hereditary Hemorrhagic Telangiectasia (JPS/HHT); JP/HHT SYNDROME; JUVENILE POLYPOSIS WITH HEREDITARY HEMORRHAGIC TELANGIECTASIA; POLYPOSIS, GENERALIZED JUVENILE, WITH PULMONARY ARTERIOVENOUS MALFORMATION; TELANGIECTASIA, HEREDITARY HEMORRHAGIC, WITH JUVENILE POLYPOSIS COLI. Identifiers: Orphanet 2929, MedGen C1832942, MONDO:0008278, OMIM 175050.
Familial thoracic aortic aneurysm and aortic dissection (TAAD). Also called: Thoracic aortic aneurysms and dissections. Identifiers: Orphanet 91387, MedGen C4707243, MONDO:0019625.
Hereditary cancer-predisposing syndrome. Also called: Neoplastic Syndromes, Hereditary; Tumor predisposition; Hereditary neoplastic syndrome; Hereditary Cancer Syndrome. Identifiers: Orphanet 140162, MedGen C0027672, MeSH D009386, MONDO:0015356.

Submissions (2):

Ambry Genetics
Classification: Uncertain significance for Hereditary cancer-predisposing syndrome; Familial thoracic aortic aneurysm and aortic dissection. Last evaluated: 2025-08-14. Review status: criteria provided, single submitter. Criteria: Ambry Variant Classification Scheme 2023. Collection method: clinical testing. Allele origin: germline.
Comment: The p.I482L variant (also known as c.1444A>C), located in coding exon 10 of the SMAD4 gene, results from an A to C substitution at nucleotide position 1444. The isoleucine at codon 482 is replaced by leucine, an amino acid with highly similar properties. This amino acid position is conserved. In addition, the in silico prediction for this alteration is inconclusive. Based on the available evidence, the clinical significance of this variant remains unclear.

All of Us Research Program, National Institutes of Health
Classification: Uncertain significance for Juvenile polyposis/hereditary hemorrhagic telangiectasia syndrome. Last evaluated: 2024-01-11. Review status: criteria provided, single submitter. Criteria: ACMG Guidelines, 2015. Collection method: clinical testing. Allele origin: germline. Inheritance: Autosomal dominant inheritance. Observed: 1 variant allele, 1 heterozygote.
Comment: This study involves interpretation of variants in research participants for the purpose of population health screening. Participant phenotype was not available at the time of variant classification. Additional details can be found in publication PMID: 35346344, PMCID: PMC8962531

NM_005359.6(SMAD4):c.1444A>C (p.Ile482Leu)

Gene: SMAD4 (SMAD family member 4; plus strand). Cytogenetic location: 18q21.2.
Variant type: single nucleotide variant.
Coding change: c.1444A>C on transcript NM_005359.6 (MANE Select); coding-DNA position 1444, A replaced by C.
Protein change: p.Ile482Leu; replaces isoleucine 482 with leucine.
Molecular consequence: missense variant. On other transcripts: non-coding transcript variant (1).
Genome position (GRCh38, 1-based): chr18:51,076,773, A>C. VCF-style: chr18-51076773-A-C. GRCh37 (hg19) VCF-style: chr18-48603143-A-C.
Other names: c.1444A>C, p.Ile482Leu (NM_001407041.1, NM_001407042.1); short protein forms I482L.
Identifiers: ClinVar variation 3075222 (VCV003075222.2), dbSNP rs864622736, ClinGen allele CA402465387.